The following is an entry in ClinVar:

ClinVar aggregate classification (germline): Uncertain significance. Review status: criteria provided, multiple submitters, no conflicts (2 of 4 stars). 4 submissions from 4 submitters: Uncertain significance (4). Last evaluated 2026-07-09.

Conditions:
Ehlers-Danlos syndrome, kyphoscoliotic type 1 (EDSKSCL1). Also called: EHLERS-DANLOS SYNDROME, TYPE VIA; Ehlers-Danlos syndrome, hydroxylysine-deficient; EHLERS-DANLOS SYNDROME, OCULAR-SCOLIOTIC TYPE; PLOD1-Related Kyphoscoliotic Ehlers-Danlos Syndrome. Identifiers: Orphanet 1900, MedGen C0268342, MONDO:0016002, OMIM 225400. Disease mechanism: loss of function.
Familial thoracic aortic aneurysm and aortic dissection (TAAD). Also called: Thoracic aortic aneurysms and dissections. Identifiers: Orphanet 91387, MedGen C4707243, MONDO:0019625.

Allele frequency attached by ClinVar (database versions not stated): gnomAD exomes below 0.00001; TOPMed below 0.00001.
gnomAD v4.1: 14 of 1,611,278 alleles (0.00087%); highest among the groups gnomAD compares: Admixed American, 0.0017%; no homozygotes.

Submissions (4):

Ambry Genetics
Classification: Uncertain significance for Familial thoracic aortic aneurysm and aortic dissection. Last evaluated: 2026-07-09. Review status: criteria provided, single submitter. Criteria: Ambry Variant Classification Scheme 2023. Collection method: clinical testing. Allele origin: germline.
Comment: The p.R441Q variant (also known as c.1322G>A), located in coding exon 12 of the PLOD1 gene, results from a G to A substitution at nucleotide position 1322. The arginine at codon 441 is replaced by glutamine, an amino acid with highly similar properties. This amino acid position is conserved. In addition, the in silico prediction for this alteration is inconclusive. Based on the available evidence, the clinical significance of this variant remains unclear.

Women's Health and Genetics/Laboratory Corporation of America, LabCorp
Classification: Uncertain significance. Last evaluated: 2026-01-09. Review status: criteria provided, single submitter. Criteria: LabCorp Variant Classification Summary - May 2015. Collection method: clinical testing. Allele origin: germline.
Comment: Variant summary: PLOD1 c.1322G>A (p.Arg441Gln) results in a conservative amino acid change in the encoded protein sequence. Algorithms developed to predict the effect of missense changes on protein structure and function are either unavailable or do not agree on the potential impact of this missense change. The variant allele was found at a frequency of 4e-06 in 250252 control chromosomes. The available data on variant occurrences in the general population are insufficient to allow any conclusion about variant significance. To our knowledge, no occurrence of c.1322G>A in individuals affected with PLOD1-related conditions and no experimental evidence demonstrating its impact on protein function have been reported. ClinVar contains an entry for this variant (Variation ID: 1464216). Based on the evidence outlined above, the variant was classified as uncertain significance.

CeGaT Center for Human Genetics Tuebingen
Classification: Uncertain significance. Last evaluated: 2024-02-01. Review status: criteria provided, single submitter. Criteria: CeGaT Center For Human Genetics Tuebingen Variant Classification Criteria Version 2. Collection method: clinical testing. Allele origin: germline. Affected: yes. Observed: 1 variant allele.
Comment: PLOD1: PM2

Labcorp Genetics (formerly Invitae), Labcorp
Classification: Uncertain significance for Ehlers-Danlos syndrome, kyphoscoliotic type 1. Last evaluated: 2021-11-29. Review status: criteria provided, single submitter. Criteria: Invitae Variant Classification Sherloc (09022015). Collection method: clinical testing. Allele origin: germline.
Comment: This sequence change replaces arginine, which is basic and polar, with glutamine, which is neutral and polar, at codon 441 of the PLOD1 protein (p.Arg441Gln). This variant is present in population databases (no rsID available, gnomAD 0.005%). This variant has not been reported in the literature in individuals affected with PLOD1-related conditions. Algorithms developed to predict the effect of missense changes on protein structure and function (SIFT, PolyPhen-2, Align-GVGD) all suggest that this variant is likely to be tolerated. In summary, the available evidence is currently insufficient to determine the role of this variant in disease. Therefore, it has been classified as a Variant of Uncertain Significance.

NM_000302.4(PLOD1):c.1322G>A (p.Arg441Gln)

Gene: PLOD1 (procollagen-lysine,2-oxoglutarate 5-dioxygenase 1; plus strand). Cytogenetic location: 1p36.22.
Variant type: single nucleotide variant.
Coding change: c.1322G>A on transcript NM_000302.4 (MANE Select); coding-DNA position 1322, G replaced by A.
Protein change: p.Arg441Gln; replaces arginine 441 with glutamine.
Molecular consequence: missense variant.
Genome position (GRCh38, 1-based): chr1:11,964,294, G>A. VCF-style: chr1-11964294-G-A. GRCh37 (hg19) VCF-style: chr1-12024351-G-A.
Other names: c.1322G>A (NM_000302.3); c.1463G>A, p.Arg488Gln (NM_001316320.2); short protein forms R441Q, R488Q.
Identifiers: ClinVar variation 1464216 (VCV001464216.29), dbSNP rs934141011, ClinGen allele CA18012838.